The following is an entry in ClinVar:

ClinVar aggregate classification (germline): Uncertain significance (1 of 4 stars; one submission).

Submission:

Labcorp Genetics (formerly Invitae), Labcorp
Classification: Uncertain significance. Last evaluated: 2022-05-17. Review status: criteria provided, single submitter. Criteria: Invitae Variant Classification Sherloc (09022015). Collection method: clinical testing. Allele origin: germline.
Comment: This variant, c.403_405del, results in the deletion of 1 amino acid(s) of the C7 protein (p.Pro135del), but otherwise preserves the integrity of the reading frame. This variant is present in population databases (rs763064315, gnomAD 0.007%). This variant has not been reported in the literature in individuals affected with C7-related conditions. Experimental studies and prediction algorithms are not available or were not evaluated, and the functional significance of this variant is currently unknown. In summary, the available evidence is currently insufficient to determine the role of this variant in disease. Therefore, it has been classified as a Variant of Uncertain Significance.

NM_000587.4(C7):c.397CCT[2] (p.Pro135del)

Gene: C7 (complement C7; plus strand). Cytogenetic location: 5p13.1.
Variant type: Microsatellite.
Coding change: c.397CCT[2] on transcript NM_000587.4 (MANE Select); two copies in a row of the 3-base unit CCT starting at c.397; the reference has three copies in a row; one copy, 3 bases deleted.
Protein change: p.Pro135del; deletes proline 135.
Molecular consequence: inframe deletion.
Genome position (GRCh38, 1-based): chr5:40,936,460-40,936,462, CCT deleted; deleting any 3 consecutive bases within chr5:40,936,454-40,936,462 gives the same sequence; the position shown is the placement nearest the transcript's 3' end. VCF-style (leftmost placement, unchanged base first): chr5-40936453-ACCT-A. GRCh37 (hg19) VCF-style: chr5-40936555-ACCT-A.
Other names: short protein forms P135del.
Identifiers: ClinVar variation 2190260 (VCV002190260.1), dbSNP rs763064315, ClinGen allele CA3249623.